The following is an entry in ClinVar:

NM_000303.3(PMM2):c.256-1G>T

Gene: PMM2 (phosphomannomutase 2; plus strand). Cytogenetic location: 16p13.2.
Variant type: single nucleotide variant.
Coding change: c.256-1G>T on transcript NM_000303.3 (MANE Select); the canonical splice acceptor site of the intron before coding-DNA position 256, G replaced by T.
Molecular consequence: splice acceptor variant.
Genome position (GRCh38, 1-based): chr16:8,806,315, G>T. VCF-style: chr16-8806315-G-T. GRCh37 (hg19) VCF-style: chr16-8900172-G-T.
Identifiers: ClinVar variation 4804443 (VCV004804443.1).

ClinVar aggregate classification (germline): Pathogenic (1 of 4 stars; one submission).

Conditions:
PMM2-congenital disorder of glycosylation. Also called: PMM2-CDG; CDG Ia; JAEKEN SYNDROME; Congenital disorder of glycosylation, type Ia; PHOSPHOMANNOMUTASE 2 DEFICIENCY; CARBOHYDRATE-DEFICIENT GLYCOPROTEIN SYNDROME, TYPE Ia. Identifiers: Orphanet 79318, MedGen C0349653, MONDO:0008907, OMIM 212065.

Submission:

Labcorp Genetics (formerly Invitae), Labcorp
Classification: Pathogenic for PMM2-congenital disorder of glycosylation. Last evaluated: 2025-10-28. Review status: criteria provided, single submitter. Criteria: Invitae Variant Classification Sherloc (09022015). Collection method: clinical testing. Allele origin: germline.
Comment: This sequence change affects an acceptor splice site in intron 3 of the PMM2 gene. RNA analysis indicates that disruption of this splice site induces altered splicing and may result in an absent or altered protein product. This variant is not present in population databases (gnomAD no frequency). Disruption of this splice site has been observed in individual(s) with congenital disorder of glycosylation type 1a (PMID: 19235233). Studies have shown that disruption of this splice site results in skipping of exons 3 and 4, and produces a non-functional protein and/or introduces a premature termination codon (PMID: 19235233). For these reasons, this variant has been classified as Pathogenic.

Literature cited by the submitters: PubMed 19235233.